The following is an entry in ClinVar:

ClinVar aggregate classification (germline): Uncertain significance (1 of 4 stars; one submission).

Conditions:
Inborn genetic diseases. Identifiers: MedGen C0950123, MeSH D030342.

Submission:

Ambry Genetics
Classification: Uncertain significance for Inborn genetic diseases. Last evaluated: 2025-04-06. Review status: criteria provided, single submitter. Criteria: Ambry Variant Classification Scheme 2023. Collection method: clinical testing. Allele origin: germline.
Comment: The p.D570N variant (also known as c.1708G>A), located in coding exon 16 of the DDX41 gene, results from a G to A substitution at nucleotide position 1708. The aspartic acid at codon 570 is replaced by asparagine, an amino acid with highly similar properties. This amino acid position is conserved. In addition, this alteration is predicted to be tolerated by in silico analysis. Based on the available evidence, the clinical significance of this variant remains unclear.

NM_016222.4(DDX41):c.1708G>A (p.Asp570Asn)

Gene: DDX41 (DEAD-box helicase 41; minus strand). Cytogenetic location: 5q35.3.
Variant type: single nucleotide variant.
Coding change: c.1708G>A on transcript NM_016222.4 (MANE Select); coding-DNA position 1708, G replaced by A.
Protein change: p.Asp570Asn; replaces aspartic acid 570 with asparagine.
Molecular consequence: missense variant.
Genome position (GRCh38, 1-based): chr5:177,512,120, C>T on the plus strand (G>A on the coding strand, the complement: DDX41 is on the minus strand). VCF-style: chr5-177512120-C-T. GRCh37 (hg19) VCF-style: chr5-176939121-C-T.
Other names: c.1330G>A, p.Asp444Asn (NM_001321732.2, NM_001321830.2); short protein forms D570N, D444N.
Identifiers: ClinVar variation 4010304 (VCV004010304.1).
Genomic context (GRCh38, chr5:177,512,120, plus strand): 5'-CCGGCTGGGGACTCGGGGATCCCGCTCTGCAGTCACCTCCAATGTCCAGCATGGACTCAT[C>T]CCCGCAATGCAGCACCTGCAGCACGGGCGGCACCTTCTGCTTGGCTTCTAGCAGCAGCGC-3'
Protein context (NP_057306.2, residues 560-580): PPVLQVLHCG[Asp570Asn]ESMLDIGGER